The following is an entry in ClinVar:

NM_020975.6(RET):c.1102C>G (p.Arg368Gly)

Gene: RET (ret proto-oncogene; plus strand). Cytogenetic location: 10q11.21.
Variant type: single nucleotide variant.
Coding change: c.1102C>G on transcript NM_020975.6 (MANE Select); coding-DNA position 1102, C replaced by G.
Protein change: p.Arg368Gly; replaces arginine 368 with glycine.
Molecular consequence: missense variant. On other transcripts: intron variant (18).
Genome position (GRCh38, 1-based): chr10:43,109,069, C>G. VCF-style: chr10-43109069-C-G. GRCh37 (hg19) VCF-style: chr10-43604517-C-G.
Other names: c.340C>G, p.Arg114Gly (NM_001355216.2); c.1102C>G, p.Arg368Gly (NM_001406743.1, NM_001406744.1, NM_001406759.1 and 4 more transcripts); c.973C>G, p.Arg325Gly (NM_001406761.1, NM_001406762.1, NM_001406764.1 and 1 more transcripts); c.814C>G, p.Arg272Gly (NM_001406766.1, NM_001406767.1, NM_001406770.1); c.664C>G, p.Arg222Gly (NM_001406771.1, NM_001406773.1); c.376C>G, p.Arg126Gly (NM_001406775.1, NM_001406776.1, NM_001406777.1 and 1 more transcripts); c.112C>G, p.Arg38Gly (NM_001406784.1); c.868-2138C>G (NM_001406772.1, NM_001406769.1); and 5 more; short protein forms R114G, R368G, R38G, R126G, R222G, R325G, R272G.
Identifiers: ClinVar variation 3944726 (VCV003944726.2).

ClinVar aggregate classification (germline): Uncertain significance. Review status: criteria provided, multiple submitters, no conflicts (2 of 4 stars). 2 submissions from 2 submitters: Uncertain significance (2). Last evaluated 2025-04-03.

Conditions:
Hereditary cancer-predisposing syndrome. Also called: Tumor predisposition; Hereditary neoplastic syndrome; Hereditary Cancer Syndrome; Neoplastic Syndromes, Hereditary. Identifiers: Orphanet 140162, MedGen C0027672, MeSH D009386, MONDO:0015356.
Multiple endocrine neoplasia, type 2 (MEN2). Identifiers: Orphanet 653, MedGen C4048306, MONDO:0019003. Disease mechanism: gain of function.

Submissions (2):

Ambry Genetics
Classification: Uncertain significance for Hereditary cancer-predisposing syndrome. Last evaluated: 2025-04-03. Review status: criteria provided, single submitter. Criteria: Ambry Variant Classification Scheme 2023. Collection method: clinical testing. Allele origin: germline.

Labcorp Genetics (formerly Invitae), Labcorp
Classification: Uncertain significance for Multiple endocrine neoplasia, type 2. Last evaluated: 2025-03-09. Review status: criteria provided, single submitter. Criteria: Invitae Variant Classification Sherloc (09022015). Collection method: clinical testing. Allele origin: germline.
Comment: This sequence change replaces arginine, which is basic and polar, with glycine, which is neutral and non-polar, at codon 368 of the RET protein (p.Arg368Gly). This variant is not present in population databases (gnomAD no frequency). This variant has not been reported in the literature in individuals affected with RET-related conditions. An algorithm developed to predict the effect of missense changes on protein structure and function (PolyPhen-2) suggests that this variant is likely to be disruptive. In summary, the available evidence is currently insufficient to determine the role of this variant in disease. Therefore, it has been classified as a Variant of Uncertain Significance.